The following is an entry in ClinVar:

ClinVar aggregate classification (germline): Uncertain significance (1 of 4 stars; one submission).

Conditions:
Dyskeratosis congenita, autosomal dominant 1 (DKCA1). Also called: Dyskeratosis congenita Scoggins type. Identifiers: Orphanet 1775, MedGen C4551974, MONDO:0007485, OMIM 127550. Inheritance: Variable.

gnomAD v4.1: 2 of 765,446 alleles (0.00026%); highest among the groups gnomAD compares: Non-Finnish European, 0.00048%; no homozygotes.

Submission:

Labcorp Genetics (formerly Invitae), Labcorp
Classification: Uncertain significance for Dyskeratosis congenita, autosomal dominant 1. Last evaluated: 2025-09-30. Review status: criteria provided, single submitter. Criteria: Invitae Variant Classification Sherloc (09022015). Collection method: clinical testing. Allele origin: germline.
Comment: This variant occurs in the TERC gene, which encodes an RNA molecule that does not result in a protein product. This variant is not present in population databases (gnomAD no frequency). This variant has not been reported in the literature in individuals affected with TERC-related conditions. ClinVar contains an entry for this variant (Variation ID: 835631). This variant is located within the template/pseudoknot domain of the TERC RNA component, which is required for RNA or RNP stability (PMID: 15082312, 21844345). In summary, the available evidence is currently insufficient to determine the role of this variant in disease. Therefore, it has been classified as a Variant of Uncertain Significance.

Literature cited by the submitters: PubMed 15082312; PubMed 21844345.

NC_000003.12:g.169765003C>G

Genes: TERC (telomerase RNA component; minus strand), LOC110806306 (telomerase RNA component (TERC) promoter; plus strand). Cytogenetic location: 3q26.2.
Variant type: single nucleotide variant.
Genome position: GRCh38 VCF-style: chr3-169765003-C-G. GRCh37 (hg19) VCF-style: chr3-169482791-C-G.
Identifiers: ClinVar variation 835631 (VCV000835631.10), dbSNP rs113487931, ClinGen allele CA436715929.